The following is an entry in ClinVar:

NM_001371928.1(AHDC1):c.1139C>T (p.Pro380Leu)

Gene: AHDC1 (AT-hook DNA binding motif containing 1; minus strand). Cytogenetic location: 1p36.11.
Variant type: single nucleotide variant.
Coding change: c.1139C>T on transcript NM_001371928.1 (MANE Select); coding-DNA position 1139, C replaced by T.
Protein change: p.Pro380Leu; replaces proline 380 with leucine.
Molecular consequence: missense variant.
Genome position (GRCh38, 1-based): chr1:27,550,977, G>A on the plus strand (C>T on the coding strand, the complement: AHDC1 is on the minus strand). VCF-style: chr1-27550977-G-A. GRCh37 (hg19) VCF-style: chr1-27877488-G-A.
Other names: c.1139C>T, p.Pro380Leu (NM_001029882.3); short protein forms P380L.
Identifiers: ClinVar variation 2438943 (VCV002438943.6), dbSNP rs1300711227, ClinGen allele CA339235012.

ClinVar aggregate classification (germline): Uncertain significance. Review status: criteria provided, multiple submitters, no conflicts (2 of 4 stars). 3 submissions from 3 submitters: Uncertain significance (3). Last evaluated 2024-04-02.

Conditions:
AHDC1-related intellectual disability - obstructive sleep apnea - mild dysmorphism syndrome. Also called: Xia-Gibbs syndrome. Identifiers: Orphanet 412069, MedGen C4014419, MONDO:0014358, OMIM 615829.

gnomAD v4.1: 1 of 1,591,440 alleles (0.000063%); highest among the groups gnomAD compares: Middle Eastern, 0.017%; no homozygotes.

Submissions (3):

Labcorp Genetics (formerly Invitae), Labcorp
Classification: Uncertain significance. Last evaluated: 2024-04-02. Review status: criteria provided, single submitter. Criteria: Invitae Variant Classification Sherloc (09022015). Collection method: clinical testing. Allele origin: germline.
Comment: This sequence change replaces proline, which is neutral and non-polar, with leucine, which is neutral and non-polar, at codon 380 of the AHDC1 protein (p.Pro380Leu). This variant is not present in population databases (gnomAD no frequency). This variant has not been reported in the literature in individuals affected with AHDC1-related conditions. ClinVar contains an entry for this variant (Variation ID: 2438943). An algorithm developed to predict the effect of missense changes on protein structure and function (PolyPhen-2) suggests that this variant is likely to be disruptive. In summary, the available evidence is currently insufficient to determine the role of this variant in disease. Therefore, it has been classified as a Variant of Uncertain Significance.

Revvity Omics, Revvity
Classification: Uncertain significance for AHDC1-related intellectual disability - obstructive sleep apnea - mild dysmorphism syndrome. Last evaluated: 2023-07-27. Review status: criteria provided, single submitter. Criteria: ACMG Guidelines, 2015. Collection method: clinical testing. Allele origin: germline.

Blueprint Genetics
Classification: Uncertain significance. Last evaluated: 2021-10-27. Review status: criteria provided, single submitter. Criteria: ACMG Guidelines, 2015. Collection method: clinical testing. Allele origin: germline.